The following is an entry in ClinVar:

NM_001322059.2(PDE1C):c.8C>T (p.Ser3Leu)

Gene: PDE1C (phosphodiesterase 1C; minus strand). Cytogenetic location: 7p14.3.
Variant type: single nucleotide variant.
Coding change: c.8C>T on transcript NM_001322059.2; coding-DNA position 8, C replaced by T.
Protein change: p.Ser3Leu; replaces serine 3 with leucine.
Molecular consequence: missense variant.
Genome position (GRCh38, 1-based): chr7:32,428,124, G>A on the plus strand (C>T on the coding strand, the complement: PDE1C is on the minus strand). VCF-style: chr7-32428124-G-A. GRCh37 (hg19) VCF-style: chr7-32467736-G-A.
Other names: short protein forms S3L.
Identifiers: ClinVar variation 2635641 (VCV002635641.2), dbSNP rs1047347698, ClinGen allele CA156197784.
Genomic context (GRCh38, chr7:32,428,124, plus strand): 5'-GGTGGCAACGAGCCCGACTGCACTACGGCTTTGCGGGACCGCGCCAGCGCGGAGGAGACC[G>A]AGCCCATCTCAGCGGGCCGGGCCGGACCCAGGTGAGCGGCCCTGGCTCCCCGAGGAATCC-3'

ClinVar aggregate classification (germline): Uncertain significance (1 of 4 stars; one submission).

Conditions:
PDE1C-related disorder. Also called: PDE1C-related condition.

Submission:

PreventionGenetics, part of Exact Sciences
Classification: Uncertain significance for PDE1C-related condition. Last evaluated: 2025-06-16. Review status: criteria provided, single submitter. Criteria: ACMG Guidelines, 2015. Collection method: clinical testing. Allele origin: germline.
Comment: The PDE1C c.8C>T variant is predicted to result in the amino acid substitution p.Ser3Leu. To our knowledge, this variant has not been reported in the literature. This variant is reported in 0.026% of alleles in individuals of European (Non-Finnish) descent in gnomAD. Although we suspect that this variant may be benign, at this time, the clinical significance of this variant is uncertain due to the absence of conclusive functional and genetic evidence.